The following is an entry in ClinVar:

NM_002185.5(IL7R):c.731C>T (p.Thr244Ile)

Gene: IL7R (interleukin 7 receptor; plus strand). Cytogenetic location: 5p13.2.
Variant type: single nucleotide variant.
Coding change: c.731C>T on transcript NM_002185.5 (MANE Select); coding-DNA position 731, C replaced by T.
Protein change: p.Thr244Ile; replaces threonine 244 with isoleucine.
Molecular consequence: missense variant.
Genome position (GRCh38, 1-based): chr5:35,874,473, C>T. VCF-style: chr5-35874473-C-T. GRCh37 (hg19) VCF-style: chr5-35874575-C-T.
Other names: NM_002185.5(IL7R):c.731C>T; short protein forms T244I.
Identifiers: ClinVar variation 134530 (VCV000134530.29), dbSNP rs6897932, ClinGen allele CA160105.
Genomic context (GRCh38, chr5:35,874,473, plus strand): 5'-ACTGAATGCTCACCACAATCTATTCTTGCTTTCCAGGGGAGATGGATCCTATCTTACTAA[C>T]CATCAGCATTTTGAGTTTTTTCTCTGTCGCTCTGTTGGTCATCTTGGCCTGTGTGTTATG-3'
Protein context (NP_002176.2, residues 234-254): SSGEMDPILL[Thr244Ile]ISILSFFSVA

ClinVar aggregate classification (germline): Benign. Review status: reviewed by expert panel (3 of 4 stars). 13 submissions from 13 submitters: Benign (1). 12 of the submissions do not count toward it. Last evaluated 2024-01-23.

Conditions:
Immunodeficiency 104. Also called: SCID, AUTOSOMAL RECESSIVE, T CELL-NEGATIVE, B CELL-POSITIVE, NK CELL-POSITIVE; IMMUNODEFICIENCY 104, SEVERE COMBINED; Severe combined immunodeficiency, autosomal recessive, T cell-negative, B cell-positive, NK cell-positive; Severe Combined Immune Deficiency, Autosomal Recessive, TCell -Negative, B Cell-Positive, NK Cell-Positive, IL7R-Related. Identifiers: MedGen C5676890, MONDO:0012163, OMIM 608971.

Allele frequency attached by ClinVar (database versions not stated): 1000 Genomes Project 30x 0.17130; 1000 Genomes Project 0.17252; TOPMed 0.19405; gnomAD 0.20973 and 0.21045; ESP Exome Variant Server 0.21406; gnomAD exomes 0.23208; ExAC 0.23271.
gnomAD v4.1: 405,436 of 1,608,402 alleles (25%); highest among the groups gnomAD compares: Non-Finnish European, 27%; 53,760 homozygotes.

Submissions (13):

ClinGen Severe Combined Immunodeficiency Variant Curation Expert Panel, ClinGen
Classification: Benign for Immunodeficiency 104. Last evaluated: 2024-01-23. Review status: reviewed by expert panel. Criteria: ClinGen SCID ACMG Specifications IL7R V1.0.0. Collection method: curation. Allele origin: germline. Inheritance: Autosomal recessive inheritance.
Comment: The c.731C>T (NM_002185.5) variant in IL7R is a missense variant predicted to cause substitution of Threonine by Isoleucine at amino acid 244 (p.Thr244Ile). The filtering allele frequency (the lower threshold of the 95% CI of 21695/63972 alleles) of the c.731C>T variant in IL7R is 0.2678 for European (non-Finnish) chromosomes by gnomAD v4, which is higher than the ClinGen SCID VCEP threshold (>0.00566) for BA1, and therefore meets this criterion (BA1). Additionally, 53760 homozygous adults are reported in gnomAD v.4. BS2_Supporting is Met. In summary, this variant meets the criteria to be classified as Benign for Autosomal Recessive SCID based on the ACMG/AMP criteria applied, as specified by the ClinGen SCID-VCEP: BA1 and BS2_Supporting. (VCEP specifications version 1).

Labcorp Genetics (formerly Invitae), Labcorp
Classification: Benign for Immunodeficiency 104. Last evaluated: 2026-02-04. Review status: criteria provided, single submitter. Criteria: Invitae Variant Classification Sherloc (09022015). Collection method: clinical testing. Allele origin: germline. Not counted in ClinVar's aggregate classification.

Blueprint Genetics
Classification: Likely benign. Last evaluated: 2024-11-26. Review status: criteria provided, single submitter. Criteria: ACMG Guidelines, 2015. Collection method: clinical testing. Allele origin: germline. Not counted in ClinVar's aggregate classification.

Unidad de Genómica Garrahan, Hospital de Pediatría Garrahan
Classification: Benign. Last evaluated: 2024-01-24. Review status: criteria provided, single submitter. Criteria: ACMG Guidelines, 2015. Collection method: clinical testing. Allele origin: germline. Affected: no. Observed: 29 variant alleles. Not counted in ClinVar's aggregate classification.
Comment: This variant is classified as Benign based on local population frequency. This variant was detected in 31% of patients studied by a panel of primary immunodeficiencies. Number of patients: 29. Only high quality variants are reported.

Fulgent Genetics
Classification: Benign for Immunodeficiency 104. Last evaluated: 2021-08-25. Review status: criteria provided, single submitter. Criteria: ACMG Guidelines, 2015. Collection method: clinical testing. Allele origin: unknown. Not counted in ClinVar's aggregate classification.

Genome-Nilou Lab
Classification: Benign for Immunodeficiency 104. Last evaluated: 2021-08-19. Review status: criteria provided, single submitter. Criteria: ACMG Guidelines, 2015. Collection method: clinical testing. Allele origin: germline. Affected: no. Not counted in ClinVar's aggregate classification.

Mayo Clinic Laboratories, Mayo Clinic
Classification: Benign. Last evaluated: 2018-03-23. Review status: criteria provided, single submitter. Criteria: ACMG Guidelines, 2015. Collection method: clinical testing. Allele origin: germline. Observed: 84 variant alleles. Not counted in ClinVar's aggregate classification.

Illumina Laboratory Services, Illumina
Classification: Benign for Immunodeficiency 104. Last evaluated: 2018-03-06. Review status: criteria provided, single submitter. Criteria: ICSL Variant Classification Criteria 13 December 2019. Collection method: clinical testing. Allele origin: germline. Not counted in ClinVar's aggregate classification.
Comment: This variant was observed in the ICSL laboratory as part of a predisposition screen in an ostensibly healthy population. It had not been previously curated by ICSL or reported in the Human Gene Mutation Database (HGMD: prior to June 1st, 2018), and was therefore a candidate for classification through an automated scoring system. Utilizing variant allele frequency, disease prevalence and penetrance estimates, and inheritance mode, an automated score was calculated to assess if this variant is too frequent to cause the disease. Based on the score and internal cut-off values, a variant classified as benign is not then subjected to further curation. The score for this variant resulted in a classification of benign for this disease.

Laboratory for Molecular Medicine, Mass General Brigham Personalized Medicine
Classification: Benign. Last evaluated: 2016-03-28. Review status: criteria provided, single submitter. Criteria: LMM Criteria. Collection method: clinical testing. Allele origin: germline. Not counted in ClinVar's aggregate classification.
Comment: Variant identified in a genome or exome case(s) and assessed due to predicted null impact of the variant or pathogenic assertions in the literature or databases. Disclaimer: This variant has not undergone full assessment. The following are preliminary notes: Frequency

GeneDx
Classification: Benign. Last evaluated: 2015-03-03. Review status: criteria provided, single submitter. Criteria: GeneDx Variant Classification Process June 2021. Collection method: clinical testing. Allele origin: germline. Affected: yes. Not counted in ClinVar's aggregate classification.
Comment: This variant is associated with the following publications: (PMID: 28964592, 21833088, 27188999, 17660817, 18721276, 24728327, 21670443, 17660530, 17660816, 21629267, 19523791, 19626041)

Breakthrough Genomics
Classification: Benign. Review status: criteria provided, single submitter. Criteria: ACMG Guidelines, 2015. Collection method: not provided. Allele origin: germline. Inheritance: Autosomal recessive inheritance. Affected: yes. Not counted in ClinVar's aggregate classification.

PreventionGenetics, part of Exact Sciences
Classification: Benign. Review status: criteria provided, single submitter. Criteria: ACMG Guidelines, 2015. Collection method: clinical testing. Allele origin: germline. Not counted in ClinVar's aggregate classification.

ITMI
No classification provided. Condition: AllHighlyPenetrant. Last evaluated: 2013-09-19. Review status: no classification provided. Collection method: reference population. Allele origin: germline. Not counted in ClinVar's aggregate classification.
Comment: Please see associated publication for description of ethnicities

Literature cited by the submitters: PubMed 24728327 (cited by ITMI).